The following is an entry in ClinVar:

ClinVar aggregate classification (germline): Benign/Likely benign. Review status: criteria provided, multiple submitters, no conflicts (2 of 4 stars). 8 submissions from 7 submitters: Benign (2); Likely benign (4). 2 of the submissions do not count toward it. Last evaluated 2026-08-01.

Conditions:
BMP4-related disorder. Also called: BMP4-related condition.
Microphthalmia with brain and digit anomalies (MCOPS6). Also called: Microphthalmia, syndromic 6; MICROPHTHALMIA AND PITUITARY ANOMALIES. Identifiers: Orphanet 139471, MedGen C1864689, MONDO:0011936, OMIM 607932.
Orofacial cleft 11 (OFC11). Also called: CLEFT LIP WITH OR WITHOUT CLEFT PALATE, NONSYNDROMIC, 11; Orofacial cleft 11; ofc11. Identifiers: MedGen C2677434, MONDO:0010906, OMIM 600625.

Allele frequency attached by ClinVar (database versions not stated): ExAC 0.00075; 1000 Genomes Project 0.00160; gnomAD exomes 0.00082; TOPMed 0.00150; 1000 Genomes Project 30x 0.00172.

Submissions (8):

CeGaT Center for Human Genetics Tuebingen
Classification: Likely benign. Last evaluated: 2026-08-01. Review status: criteria provided, single submitter. Criteria: CeGaT Center For Human Genetics Tuebingen Variant Classification Criteria Version 2. Collection method: clinical testing. Allele origin: germline. Affected: yes. Observed: 1 variant allele.
Comment: BMP4: BP4, BS1

Labcorp Genetics (formerly Invitae), Labcorp
Classification: Benign for Microphthalmia with brain and digit anomalies; Orofacial cleft 11. Last evaluated: 2026-01-19. Review status: criteria provided, single submitter. Criteria: Invitae Variant Classification Sherloc (09022015). Collection method: clinical testing. Allele origin: germline.

Blueprint Genetics
Classification: Likely benign. Last evaluated: 2024-07-16. Review status: criteria provided, single submitter. Criteria: ACMG Guidelines, 2015. Collection method: clinical testing. Allele origin: germline.

Mendelics
Classification: Likely benign for Microphthalmia with brain and digit anomalies. Last evaluated: 2019-05-28. Review status: criteria provided, single submitter. Criteria: Mendelics Assertion Criteria 2017. Collection method: clinical testing. Allele origin: unknown.

Illumina Laboratory Services, Illumina
Classification: Likely benign for Orofacial cleft 11. Last evaluated: 2017-04-27. Review status: criteria provided, single submitter. Criteria: ICSL Variant Classification Criteria 13 December 2019. Collection method: clinical testing. Allele origin: germline.
Comment: This variant was observed as part of a predisposition screen in an ostensibly healthy population. A literature search was performed for the gene, cDNA change, and amino acid change (where applicable). Publications were found based on this search. The evidence from the literature, in combination with allele frequency data from public databases where available, was sufficient to determine this variant is unlikely to cause disease. Therefore, this variant is classified as likely benign.

Illumina Laboratory Services, Illumina
Classification: Benign for Microphthalmia with brain and digit anomalies. Last evaluated: 2017-04-27. Review status: criteria provided, single submitter. Criteria: ICSL Variant Classification Criteria 13 December 2019. Collection method: clinical testing. Allele origin: germline.
Comment: This variant was observed as part of a predisposition screen in an ostensibly healthy population. A literature search was performed for the gene, cDNA change, and amino acid change (where applicable). Publications were found based on this search. The evidence from the literature, in combination with allele frequency data from public databases where available, was sufficient to rule this variant out of causing disease. Therefore, this variant is classified as benign.

PreventionGenetics, part of Exact Sciences
Classification: Likely benign for BMP4-related condition. Last evaluated: 2019-03-14. Review status: no assertion criteria provided. Collection method: clinical testing. Allele origin: germline. Not counted in ClinVar's aggregate classification.
Comment: This variant is classified as likely benign based on ACMG/AMP sequence variant interpretation guidelines (Richards et al. 2015 PMID: 25741868, with internal and published modifications).

OMIM
Classification: Pathogenic for OROFACIAL CLEFT 11. Last evaluated: 2009-03-01. Review status: no assertion criteria provided. Collection method: literature only. Allele origin: germline. Not counted in ClinVar's aggregate classification.

Literature cited by the submitters: PubMed 22978696 (cited by Illumina Laboratory Services, Illumina); PubMed 19249007 (cited by Illumina Laboratory Services, Illumina and OMIM).

NM_001202.6(BMP4):c.860G>A (p.Arg287His)

Gene: BMP4 (bone morphogenetic protein 4; minus strand). Cytogenetic location: 14q22.2.
Variant type: single nucleotide variant.
Coding change: c.860G>A on transcript NM_001202.6 (MANE Select); coding-DNA position 860, G replaced by A.
Protein change: p.Arg287His; replaces arginine 287 with histidine.
Molecular consequence: missense variant.
Genome position (GRCh38, 1-based): chr14:53,950,399, C>T on the plus strand (G>A on the coding strand, the complement: BMP4 is on the minus strand). VCF-style: chr14-53950399-C-T. GRCh37 (hg19) VCF-style: chr14-54417117-C-T.
Other names: c.1001G>A, p.Arg334His (NM_001347912.1); c.671G>A, p.Arg224His (NM_001347913.2, NM_001347915.2, NM_001347917.1); c.860G>A, p.Arg287His (NM_001347914.2, NM_001347916.1, NM_130850.5 and 1 more transcripts); c.860G>A (NM_001202.5); short protein forms R287H, R334H, R224H.
Identifiers: ClinVar variation 17704 (VCV000017704.20), dbSNP rs121912768, ClinGen allele CA127331.